The following is an entry in ClinVar:

NM_020822.3(KCNT1):c.110+1G>C

Gene: KCNT1 (potassium sodium-activated channel subfamily T member 1; plus strand). Cytogenetic location: 9q34.3.
Variant type: single nucleotide variant.
Coding change: c.110+1G>C on transcript NM_020822.3 (MANE Select); the canonical splice donor site of the intron after coding-DNA position 110, G replaced by C.
Molecular consequence: splice donor variant.
Genome position (GRCh38, 1-based): chr9:135,702,369, G>C. VCF-style: chr9-135702369-G-C. GRCh37 (hg19) VCF-style: chr9-138594215-G-C.
Other names: c.110+1G>C (NM_001272003.2).
Identifiers: ClinVar variation 642324 (VCV000642324.12), dbSNP rs780331569, ClinGen allele CA5326261.

ClinVar aggregate classification (germline): Uncertain significance. Review status: criteria provided, multiple submitters, no conflicts (2 of 4 stars). 2 submissions from 2 submitters: Uncertain significance (2). Last evaluated 2026-04-27.

Conditions:
Developmental and epileptic encephalopathy, 14 (DEE14). Also called: Early infantile epileptic encephalopathy 14. Identifiers: Orphanet 293181, MedGen C3554195, MONDO:0013989, OMIM 614959.
Autosomal dominant nocturnal frontal lobe epilepsy 5. Also called: Epilepsy, nocturnal frontal lobe, 5; CILIARY DYSKINESIA, PRIMARY, 28, WITHOUT SITUS INVERSUS; CILIARY DYSKINESIA, PRIMARY, 28, WITH SITUS INVERSUS; KCNT1-Related Epilepsy. Identifiers: Orphanet 98784, MedGen C3554306, MONDO:0014002, OMIM 615005.
Inborn genetic diseases. Identifiers: MedGen C0950123, MeSH D030342.

Allele frequency attached by ClinVar (database versions not stated): TOPMed 0.00006; gnomAD 0.00005.
gnomAD v4.1: 8 of 1,609,176 alleles (0.0005%); highest among the groups gnomAD compares: African/African-American, 0.011%; no homozygotes.

Submissions (2):

Ambry Genetics
Classification: Uncertain significance for Inborn genetic diseases. Last evaluated: 2026-04-27. Review status: criteria provided, single submitter. Criteria: Ambry Variant Classification Scheme 2023. Collection method: clinical testing. Allele origin: germline.
Comment: The c.110+1G>C intronic alteration consists of a G to C substitution nucleotides after coding exon 1 in the KCNT1 gene. Based on data from gnomAD, the C allele has an overall frequency of 0.001% (2/244364) total alleles studied. The highest observed frequency was 0.013% (2/15572) of African alleles. Based on insufficient or conflicting evidence, the clinical significance of this alteration remains unclear.

Labcorp Genetics (formerly Invitae), Labcorp
Classification: Uncertain significance for Autosomal dominant nocturnal frontal lobe epilepsy 5; Developmental and epileptic encephalopathy, 14. Last evaluated: 2025-06-08. Review status: criteria provided, single submitter. Criteria: Invitae Variant Classification Sherloc (09022015). Collection method: clinical testing. Allele origin: germline.
Comment: This sequence change affects a donor splice site in intron 1 of the KCNT1 gene. It is expected to disrupt RNA splicing. Variants that disrupt the donor or acceptor splice site typically lead to a loss of protein function (PMID: 16199547), however the current clinical and genetic evidence is not sufficient to establish whether loss-of-function variants in KCNT1 cause disease. This variant is present in population databases (rs780331569, gnomAD 0.01%). This variant has not been reported in the literature in individuals affected with KCNT1-related conditions. ClinVar contains an entry for this variant (Variation ID: 642324). Algorithms developed to predict the effect of sequence changes on RNA splicing suggest that this variant may disrupt the consensus splice site. In summary, the available evidence is currently insufficient to determine the role of this variant in disease. Therefore, it has been classified as a Variant of Uncertain Significance.

Literature cited by the submitters: PubMed 16199547 (cited by Labcorp Genetics (formerly Invitae), Labcorp).